The following is an entry in ClinVar:

NM_001282116.2(RFX3):c.376_378delinsTAC (p.Gln126Tyr)

Gene: RFX3 (regulatory factor X3; minus strand). Cytogenetic location: 9p24.2.
Variant type: Indel.
Coding change: c.376_378delinsTAC on transcript NM_001282116.2 (MANE Select); coding-DNA positions 376 to 378, CAA replaced by TAC.
Protein change: p.Gln126Tyr; replaces glutamine 126 with tyrosine.
Molecular consequence: missense variant.
Genome position (GRCh38, 1-based): chr9:3,330,355-3,330,357, TTG replaced by GTA on the plus strand (CAA replaced by TAC on the coding strand, the reverse complement: RFX3 is on the minus strand). VCF-style: chr9-3330355-TTG-GTA. GRCh37 (hg19) VCF-style: chr9-3330355-TTG-GTA.
Other names: c.376_378delinsTAC, p.Gln126Tyr (NM_001282117.2, NM_001377999.1, NM_002919.4 and 1 more transcripts); short protein forms Q126Y.
Identifiers: ClinVar variation 3373427 (VCV003373427.1).
Genomic context (GRCh38, chr9:3,330,355, plus strand): 5'-GTGACCAGAATTCTCCATTGAGTTGCCGATCAGATAGGTTCCTCCAGAGCTGCTGATGAG[TTG>GTA]TCCTCCTGTGACGCCCATCTGAATCCCACCAGTGCCCACCATACTGTGGGATGAGACCAC-3'
Protein context (NP_001269045.1, residues 116-136): GGIQMGVTGG[Gln126Tyr]LISSSGGTYL

ClinVar aggregate classification (germline): Uncertain significance (1 of 4 stars; one submission).

Submission:

GeneDx
Classification: Uncertain significance. Last evaluated: 2024-02-28. Review status: criteria provided, single submitter. Criteria: GeneDx Variant Classification Process June 2021. Collection method: clinical testing. Allele origin: germline. Affected: yes.
Comment: Not observed at significant frequency in large population cohorts (gnomAD); In silico analysis supports a deleterious effect on protein structure/function; Has not been previously published as pathogenic or benign to our knowledge